The following is an entry in ClinVar:

NM_020937.4(FANCM):c.5627A>G (p.Asn1876Ser)

Gene: FANCM (FA complementation group M; plus strand). Cytogenetic location: 14q21.2.
Variant type: single nucleotide variant.
Coding change: c.5627A>G on transcript NM_020937.4 (MANE Select); coding-DNA position 5627, A replaced by G.
Protein change: p.Asn1876Ser; replaces asparagine 1876 with serine.
Molecular consequence: missense variant.
Genome position (GRCh38, 1-based): chr14:45,196,458, A>G. VCF-style: chr14-45196458-A-G. GRCh37 (hg19) VCF-style: chr14-45665661-A-G.
Other names: p.Asn1876Ser; c.5549A>G, p.Asn1850Ser (NM_001308133.2); c.5627A>G (LRG_502t1); short protein forms N1876S, N1850S.
Identifiers: ClinVar variation 261391 (VCV000261391.27), dbSNP rs45557033, ClinGen allele CA7170029.

ClinVar aggregate classification (germline): Benign/Likely benign. Review status: criteria provided, multiple submitters, no conflicts (2 of 4 stars). 12 submissions from 12 submitters: Benign (7); Likely benign (3). 2 of the submissions do not count toward it. Last evaluated 2026-02-02.

Conditions:
Fanconi anemia (FA). Also called: Fanconi's anemia. Identifiers: Orphanet 84, MedGen C0015625, MeSH D005199, MONDO:0019391.
Premature ovarian failure 15. Identifiers: MedGen C4748170, MONDO:0054862, OMIM 618096.

Allele frequency attached by ClinVar (database versions not stated): 1000 Genomes Project 0.00859; 1000 Genomes Project 30x 0.00859; TOPMed 0.01736; ESP Exome Variant Server 0.02076; gnomAD 0.02173.
gnomAD v4.1: 43,422 of 1,614,114 alleles (2.7%); highest among the groups gnomAD compares: Non-Finnish European, 3.1%; 741 homozygotes.

Submissions (41):

Labcorp Genetics (formerly Invitae), Labcorp
Classification: Benign for Fanconi anemia. Last evaluated: 2026-02-02. Review status: criteria provided, single submitter. Criteria: Invitae Variant Classification Sherloc (09022015). Collection method: clinical testing. Allele origin: germline.

Dasa
Classification: Benign. Last evaluated: 2025-10-28. Review status: criteria provided, single submitter. Criteria: DASA Assertion Criteria. Collection method: clinical testing. Allele origin: germline.
Comment: NM_020937.4(FANCM):c.5627A>G (p.Asn1876Ser) is a missense variant that results in the substitution of asparagine with serine. Population frequency is inconsistent with a disease-causing role for this variant, and observations in unaffected individuals support a benign interpretation. Computational prediction algorithms are consistent with a benign effect. Therefore, based on the currently available evidence, this variant is classified as benign.

Mayo Clinic Laboratories, Mayo Clinic
Classification: Benign. Last evaluated: 2025-09-22. Review status: criteria provided, single submitter. Criteria: ACMG Guidelines, 2015. Collection method: clinical testing. Allele origin: germline. Observed: 2 variant alleles.
Comment: BS1, BS2, BP4

GeneKor MSA
Classification: Benign for Fanconi anemia. Last evaluated: 2025-07-10. Review status: criteria provided, single submitter. Criteria: ACMG Guidelines, 2015. Collection method: clinical testing. Allele origin: germline.

Quest Diagnostics Nichols Institute San Juan Capistrano
Classification: Benign. Last evaluated: 2025-05-08. Review status: criteria provided, single submitter. Criteria: Quest Diagnostics criteria. Collection method: clinical testing. Allele origin: unknown.

Blueprint Genetics
Classification: Likely benign. Last evaluated: 2024-11-27. Review status: criteria provided, single submitter. Criteria: ACMG Guidelines, 2015. Collection method: clinical testing. Allele origin: germline.

KCCC/NGS Laboratory, Kuwait Cancer Control Center
Classification: Benign for Premature ovarian failure 15. Last evaluated: 2023-07-07. Review status: criteria provided, single submitter. Criteria: ACMG Guidelines, 2015. Collection method: clinical testing. Allele origin: germline. Affected: yes.

GeneDx
Classification: Likely benign. Last evaluated: 2021-02-14. Review status: criteria provided, single submitter. Criteria: GeneDx Variant Classification Process June 2021. Collection method: clinical testing. Allele origin: germline. Affected: yes.
Comment: This variant is associated with the following publications: (PMID: 19737859, 29351780)

Breakthrough Genomics
Classification: Likely benign. Review status: criteria provided, single submitter. Criteria: ACMG Guidelines, 2015. Collection method: not provided. Allele origin: germline. Inheritance: Autosomal recessive inheritance. Affected: yes.

PreventionGenetics, part of Exact Sciences
Classification: Benign. Review status: criteria provided, single submitter. Criteria: ACMG Guidelines, 2015. Collection method: clinical testing. Allele origin: germline.

Dr. Peter K. Rogan Lab, Western University
No classification provided (evidence only). Condition: Melanoma. Review status: no classification provided. Collection method: in vitro. Allele origin: not applicable. Functional consequence: retained intron. Not counted in ClinVar's aggregate classification.

Dr. Peter K. Rogan Lab, Western University
No classification provided (evidence only). Condition: Melanoma. Review status: no classification provided. Collection method: in vitro. Allele origin: not applicable. Functional consequence: retained intron. Not counted in ClinVar's aggregate classification.

Dr. Peter K. Rogan Lab, Western University
No classification provided (evidence only). Condition: Melanoma. Review status: no classification provided. Collection method: in vitro. Allele origin: not applicable. Functional consequence: skipped exon, retained intron. Not counted in ClinVar's aggregate classification.

Dr. Peter K. Rogan Lab, Western University
No classification provided (evidence only). Condition: Colon adenocarcinoma. Review status: no classification provided. Collection method: in vitro. Allele origin: not applicable. Functional consequence: retained intron. Not counted in ClinVar's aggregate classification.

Dr. Peter K. Rogan Lab, Western University
No classification provided (evidence only). Condition: Colon adenocarcinoma. Review status: no classification provided. Collection method: in vitro. Allele origin: not applicable. Functional consequence: skipped exon. Not counted in ClinVar's aggregate classification.

Dr. Peter K. Rogan Lab, Western University
No classification provided (evidence only). Condition: Colon adenocarcinoma. Review status: no classification provided. Collection method: in vitro. Allele origin: not applicable. Functional consequence: retained intron. Not counted in ClinVar's aggregate classification.

Dr. Peter K. Rogan Lab, Western University
No classification provided (evidence only). Condition: Colon adenocarcinoma. Review status: no classification provided. Collection method: in vitro. Allele origin: not applicable. Functional consequence: retained intron. Not counted in ClinVar's aggregate classification.

Dr. Peter K. Rogan Lab, Western University
No classification provided (evidence only). Condition: Thyroid cancer, nonmedullary, 1. Review status: no classification provided. Collection method: in vitro. Allele origin: not applicable. Functional consequence: skipped exon. Not counted in ClinVar's aggregate classification.

Dr. Peter K. Rogan Lab, Western University
No classification provided (evidence only). Condition: Thyroid cancer, nonmedullary, 1. Review status: no classification provided. Collection method: in vitro. Allele origin: not applicable. Functional consequence: skipped exon. Not counted in ClinVar's aggregate classification.

Dr. Peter K. Rogan Lab, Western University
No classification provided (evidence only). Condition: Thyroid cancer, nonmedullary, 1. Review status: no classification provided. Collection method: in vitro. Allele origin: not applicable. Functional consequence: skipped exon. Not counted in ClinVar's aggregate classification.

Dr. Peter K. Rogan Lab, Western University
No classification provided (evidence only). Condition: Thyroid cancer, nonmedullary, 1. Review status: no classification provided. Collection method: in vitro. Allele origin: not applicable. Functional consequence: retained intron. Not counted in ClinVar's aggregate classification.

Dr. Peter K. Rogan Lab, Western University
No classification provided (evidence only). Condition: Uterine corpus endometrial carcinoma. Review status: no classification provided. Collection method: in vitro. Allele origin: not applicable. Functional consequence: skipped exon, retained intron. Not counted in ClinVar's aggregate classification.

Dr. Peter K. Rogan Lab, Western University
No classification provided (evidence only). Condition: Uterine corpus endometrial carcinoma. Review status: no classification provided. Collection method: in vitro. Allele origin: not applicable. Functional consequence: retained intron. Not counted in ClinVar's aggregate classification.

Dr. Peter K. Rogan Lab, Western University
No classification provided (evidence only). Condition: Uterine corpus endometrial carcinoma. Review status: no classification provided. Collection method: in vitro. Allele origin: not applicable. Functional consequence: skipped exon. Not counted in ClinVar's aggregate classification.

Dr. Peter K. Rogan Lab, Western University
No classification provided (evidence only). Condition: Cervical cancer. Review status: no classification provided. Collection method: in vitro. Allele origin: not applicable. Functional consequence: skipped exon, retained intron. Not counted in ClinVar's aggregate classification.

Dr. Peter K. Rogan Lab, Western University
No classification provided (evidence only). Condition: Cervical cancer. Review status: no classification provided. Collection method: in vitro. Allele origin: not applicable. Functional consequence: skipped exon. Not counted in ClinVar's aggregate classification.

Dr. Peter K. Rogan Lab, Western University
No classification provided (evidence only). Condition: Cervical cancer. Review status: no classification provided. Collection method: in vitro. Allele origin: not applicable. Functional consequence: retained intron. Not counted in ClinVar's aggregate classification.

Dr. Peter K. Rogan Lab, Western University
No classification provided (evidence only). Condition: Sarcoma. Review status: no classification provided. Collection method: in vitro. Allele origin: not applicable. Functional consequence: retained intron. Not counted in ClinVar's aggregate classification.

Dr. Peter K. Rogan Lab, Western University
No classification provided (evidence only). Condition: Sarcoma. Review status: no classification provided. Collection method: in vitro. Allele origin: not applicable. Functional consequence: skipped exon, retained intron. Not counted in ClinVar's aggregate classification.

Dr. Peter K. Rogan Lab, Western University
No classification provided (evidence only). Condition: Sarcoma. Review status: no classification provided. Collection method: in vitro. Allele origin: not applicable. Functional consequence: skipped exon. Not counted in ClinVar's aggregate classification.

Dr. Peter K. Rogan Lab, Western University
No classification provided (evidence only). Condition: Sarcoma. Review status: no classification provided. Collection method: in vitro. Allele origin: not applicable. Functional consequence: skipped exon. Not counted in ClinVar's aggregate classification.

Dr. Peter K. Rogan Lab, Western University
No classification provided (evidence only). Condition: Sarcoma. Review status: no classification provided. Collection method: in vitro. Allele origin: not applicable. Functional consequence: skipped exon. Not counted in ClinVar's aggregate classification.

Dr. Peter K. Rogan Lab, Western University
No classification provided (evidence only). Condition: Hepatocellular carcinoma. Review status: no classification provided. Collection method: in vitro. Allele origin: not applicable. Functional consequence: skipped exon, retained intron. Not counted in ClinVar's aggregate classification.

Dr. Peter K. Rogan Lab, Western University
No classification provided (evidence only). Condition: Hepatocellular carcinoma. Review status: no classification provided. Collection method: in vitro. Allele origin: not applicable. Functional consequence: retained intron. Not counted in ClinVar's aggregate classification.

Dr. Peter K. Rogan Lab, Western University
No classification provided (evidence only). Condition: Hepatocellular carcinoma. Review status: no classification provided. Collection method: in vitro. Allele origin: not applicable. Functional consequence: skipped exon. Not counted in ClinVar's aggregate classification.

Dr. Peter K. Rogan Lab, Western University
No classification provided (evidence only). Condition: Nonpapillary renal cell carcinoma. Review status: no classification provided. Collection method: in vitro. Allele origin: not applicable. Functional consequence: skipped exon. Not counted in ClinVar's aggregate classification.

Dr. Peter K. Rogan Lab, Western University
No classification provided (evidence only). Condition: Thymoma. Review status: no classification provided. Collection method: in vitro. Allele origin: not applicable. Functional consequence: skipped exon. Not counted in ClinVar's aggregate classification.

Dr. Peter K. Rogan Lab, Western University
No classification provided (evidence only). Condition: Thymoma. Review status: no classification provided. Collection method: in vitro. Allele origin: not applicable. Functional consequence: retained intron. Not counted in ClinVar's aggregate classification.

Dr. Peter K. Rogan Lab, Western University
No classification provided (evidence only). Condition: Adrenocortical carcinoma, hereditary. Review status: no classification provided. Collection method: in vitro. Allele origin: not applicable. Functional consequence: retained intron. Not counted in ClinVar's aggregate classification.

Genome Diagnostics Laboratory, Amsterdam University Medical Center
Classification: Benign. Review status: no assertion criteria provided. Collection method: clinical testing. Allele origin: germline. Affected: yes. Study: VKGL Data-share Consensus. Not counted in ClinVar's aggregate classification.

Laboratory of Diagnostic Genome Analysis, Leiden University Medical Center (LUMC)
Classification: Benign. Review status: no assertion criteria provided. Collection method: clinical testing. Allele origin: germline. Affected: yes. Study: VKGL Data-share Consensus. Not counted in ClinVar's aggregate classification.

Literature cited by the submitters: PubMed 19737859 (cited by Quest Diagnostics Nichols Institute San Juan Capistrano); PubMed 29351780 (cited by Quest Diagnostics Nichols Institute San Juan Capistrano).